The following is an entry in ClinVar:

ClinVar aggregate classification (germline): Pathogenic/Likely pathogenic. Review status: criteria provided, multiple submitters, no conflicts (2 of 4 stars). 9 submissions from 9 submitters: Pathogenic (2); Likely pathogenic (7). Last evaluated 2026-01-15.

Conditions:
KCNH2-related disorder. Also called: KCNH2-related condition; KCNH2-related disorders.
Cardiovascular phenotype. Identifiers: MedGen CN230736.
Cardiac arrhythmia. Also called: Arrhythmia; Cardiac rhythm disease. Identifiers: MedGen C0003811, MONDO:0007263, HP:0011675.
Long QT syndrome (LQTS). Identifiers: MedGen C0023976, MeSH D008133, MONDO:0002442. Disease mechanism: loss of function. Inheritance: Various modes of inheritance.
Long QT syndrome 2 (LQT2). Identifiers: Orphanet 101016, Orphanet 768, MedGen C3150943, MONDO:0013367, OMIM 613688.

Allele frequency attached by ClinVar (database versions not stated): gnomAD exomes 0.00002; ExAC 0.00004.
gnomAD v4.1: 28 of 1,568,340 alleles (0.0018%); highest among the groups gnomAD compares: South Asian, 0.0023%; 1 homozygote.

Submissions 1 to 5 of 9:

Ambry Genetics
Classification: Likely pathogenic for Cardiovascular phenotype. Last evaluated: 2026-01-15. Review status: criteria provided, single submitter. Criteria: Ambry Variant Classification Scheme 2023. Collection method: clinical testing. Allele origin: germline.
Comment: The c.1128G>A variant (also known as p.Q376Q) is located in coding exon 5 of the KCNH2 gene. This variant results from a G to A substitution at nucleotide position 1128. This nucleotide substitution does not change the glutamine at codon 376. However, this change occurs in the last base pair of coding exon 5, which makes it likely to have some effect on normal mRNA splicing. This variant was reported in individual(s) with features consistent with long QT syndrome (LQTS) (Splawski I et al. Circulation. 2000;102(10):1178-85; Tester DJ et al. Heart Rhythm. 2005;2(5):507-17; Kapplinger JD et al. Heart Rhythm. 2009;6(9):1297-303; Steffensen AB et al. Sci Rep. 2015; 5:10009; O'Neill MJ et al. Circ Genom Precis Med. 2022 Dec;15(6):e003782; Yee LA et al. J Am Heart Assoc. 2022 Sep;11(18):e025108; Ambry internal data). Results from a minigene assay have indicated that this alteration may result in some abnormal splicing (O'Neill MJ, et al. Circ Genom Precis Med. 2022 Dec;15(6):e003782). This variant is considered to be rare based on population cohorts in the Genome Aggregation Database (gnomAD). This nucleotide position is highly conserved in available vertebrate species. In silico splice site analysis for this alteration is inconclusive. Based on the majority of available evidence to date, this variant is likely to be pathogenic.

Labcorp Genetics (formerly Invitae), Labcorp
Classification: Pathogenic for Long QT syndrome. Last evaluated: 2026-01-07. Review status: criteria provided, single submitter. Criteria: Invitae Variant Classification Sherloc (09022015). Collection method: clinical testing. Allele origin: germline.
Comment: This sequence change affects codon 376 of the KCNH2 mRNA. It is a 'silent' change, meaning that it does not change the encoded amino acid sequence of the KCNH2 protein. This variant also falls at the last nucleotide of exon 5, which is part of the consensus splice site for this exon. This variant is not present in population databases (gnomAD no frequency). This variant has been observed in individuals with long QT syndrome (LQTS) (PMID: 10973849, 11854117, 15840476, 19716085; andinternalinternal datadatabase). ClinVar contains an entry for this variant (Variation ID: 200323). Variants that disrupt the consensus splice site are a relatively common cause of aberrant splicing (PMID: 17576681, 9536098). Algorithms developed to predict the effect of sequence changes on RNA splicing suggest that this variant may disrupt the consensus splice site. For these reasons, this variant has been classified as Pathogenic.

All of Us Research Program, National Institutes of Health
Classification: Likely pathogenic for Long QT syndrome. Last evaluated: 2024-05-30. Review status: criteria provided, single submitter. Criteria: ACMG Guidelines, 2015. Collection method: clinical testing. Allele origin: germline. Inheritance: Autosomal dominant inheritance. Observed: 2 variant alleles, 2 heterozygotes.
Comment: This synonymous variant causes a G to A substitution at the last nucleotide of exon 5 of the KCNH2 gene. A RNA study has shown that this variant causes an out-of-frame skipping of exon 5 (PMID: 36197721). As a result, this variant creates a frameshift and premature translation stop signal and is expected to result in an absent or non-functional protein product. This variant has been reported in at least 8 unrelated individuals affected with long QT syndrome (PMID: 10973849, 11854117, 25929701, 32893267, 36102233, ClinVar SCV000255267.11) and in several individuals suspected of having long QT syndrome (PMID: 15840476, 19716085, 23631430). This variant has also been reported in an individual affected with sudden cardiac death (PMID: 28794082). This variant has not been identified in the general population by the Genome Aggregation Database (gnomAD). Based on the available evidence, this variant is classified as Likely Pathogenic.

This study involves interpretation of variants in research participants for the purpose of population health screening. Participant phenotype was not available at the time of variant classification. Additional details can be found in publication PMID: 35346344, PMCID: PMC8962531

Color Diagnostics, LLC DBA Color Health
Classification: Likely pathogenic for Cardiac arrhythmia. Last evaluated: 2024-03-22. Review status: criteria provided, single submitter. Criteria: ACMG Guidelines, 2015. Collection method: clinical testing. Allele origin: germline.
Comment: This synonymous variant causes a G to A substitution at the last nucleotide of exon 5 of the KCNH2 gene. A RNA study has shown that this variant causes an out-of-frame skipping of exon 5 (PMID: 36197721). As a result, this variant creates a frameshift and premature translation stop signal and is expected to result in an absent or non-functional protein product. This variant has been reported in at least 8 unrelated individuals affected with long QT syndrome (PMID: 10973849, 11854117, 25929701, 32893267, 36102233, ClinVar SCV000255267.11) and in several individuals suspected of having long QT syndrome (PMID: 15840476, 19716085, 23631430). This variant has also been reported in an individual affected with sudden cardiac death (PMID: 28794082). This variant has not been identified in the general population by the Genome Aggregation Database (gnomAD). Based on the available evidence, this variant is classified as Likely Pathogenic.

Roden Lab, Vanderbilt University Medical Center
Classification: Likely pathogenic for Long QT syndrome 2. Last evaluated: 2022-10-05. Review status: criteria provided, single submitter. Criteria: ACMG Guidelines, 2015. Collection method: research, in vitro. Allele origin: unknown, not applicable. Functional consequence: sequence_variant_affecting_splicing.
Comment: The KCNH2 variant c.1128G>A was observed in 2 cases of LQTS and is absent from large population databases (PMID: 32893267). Splicing predictions were inconclusive for this variant. Minigene functional studies revealed aberrant splicing in the presence of this alternative allele. Collectively, this evidence supports a Likely Pathogenic classification.

NM_000238.4(KCNH2):c.1128G>A (p.Gln376=)

Gene: KCNH2 (potassium voltage-gated channel subfamily H member 2; minus strand). Cytogenetic location: 7q36.1.
Variant type: single nucleotide variant.
Coding change: c.1128G>A on transcript NM_000238.4 (MANE Select); coding-DNA position 1128, G replaced by A.
Protein change: p.Gln376=; no amino-acid change (glutamine 376 retained).
Molecular consequence: synonymous variant. On other transcripts: non-coding transcript variant (1).
Genome position (GRCh38, 1-based): chr7:150,957,291, C>T on the plus strand (G>A on the coding strand, the complement: KCNH2 is on the minus strand). VCF-style: chr7-150957291-C-T. GRCh37 (hg19) VCF-style: chr7-150654379-C-T.
Other names: c.840G>A, p.Gln280= (NM_001406753.1, NM_001406756.1); c.951G>A, p.Gln317= (NM_001406755.1); c.828G>A, p.Gln276= (NM_001406757.1); c.1128G>A, p.Gln376= (NM_172056.3).
Identifiers: ClinVar variation 200323 (VCV000200323.32), dbSNP rs770047651, ClinGen allele CA004226.
Genomic context (GRCh38, chr7:150,957,291, plus strand): 5'-TCCCACCCCCTCTCCAAGCTCCTCCAAGGTGAGAGGAGAGCCCGGCCGCTGGGCGCCTAC[C>T]TGGGTGACCTTCTCAGTGACATTGTGGGTTCGCTCCTTTATCTTAGGTGCTATGATCTCA-3'
Protein context (NP_000229.1, residues 366-386): RTHNVTEKVT[Gln376=]VLSLGADVLP